The following is an entry in ClinVar:

ClinVar aggregate classification (germline): Uncertain significance. Review status: criteria provided, multiple submitters, no conflicts (2 of 4 stars). 2 submissions from 2 submitters: Uncertain significance (2). Last evaluated 2025-03-18.

Conditions:
Marfan syndrome (MFS). Also called: MARFAN SYNDROME, TYPE I; Marfan syndrome type 1; Marfan's syndrome; Marfan syndrome, classic; FBN1-Related Marfan Syndrome. Identifiers: Orphanet 284963, Orphanet 558, MedGen C0024796, MONDO:0007947, OMIM 154700.
Familial thoracic aortic aneurysm and aortic dissection (TAAD). Also called: Thoracic aortic aneurysms and dissections. Identifiers: Orphanet 91387, MedGen C4707243, MONDO:0019625.

gnomAD v4.1: 2 of 1,614,102 alleles (0.00012%); highest among the groups gnomAD compares: Non-Finnish European, 0.00017%; no homozygotes.

Submissions (2):

GeneDx
Classification: Uncertain significance. Last evaluated: 2025-03-18. Review status: criteria provided, single submitter. Criteria: GeneDx Variant Classification Process June 2021. Collection method: clinical testing. Allele origin: germline. Affected: yes.
Comment: Not observed at significant frequency in large population cohorts (gnomAD); In silico analysis supports that this missense variant has a deleterious effect on protein structure/function; Has not been previously published as pathogenic or benign to our knowledge; This variant is associated with the following publications: (PMID: 12938084)

Labcorp Genetics (formerly Invitae), Labcorp
Classification: Uncertain significance for Marfan syndrome; Familial thoracic aortic aneurysm and aortic dissection. Last evaluated: 2023-11-18. Review status: criteria provided, single submitter. Criteria: Invitae Variant Classification Sherloc (09022015). Collection method: clinical testing. Allele origin: germline.
Comment: This sequence change replaces proline, which is neutral and non-polar, with serine, which is neutral and polar, at codon 220 of the FBN1 protein (p.Pro220Ser). This variant is not present in population databases (gnomAD no frequency). This variant has not been reported in the literature in individuals affected with FBN1-related conditions. Advanced modeling of protein sequence and biophysical properties (such as structural, functional, and spatial information, amino acid conservation, physicochemical variation, residue mobility, and thermodynamic stability) performed at Invitae indicates that this missense variant is expected to disrupt FBN1 protein function with a positive predictive value of 95%. In summary, the available evidence is currently insufficient to determine the role of this variant in disease. Therefore, it has been classified as a Variant of Uncertain Significance.

NM_000138.5(FBN1):c.658C>T (p.Pro220Ser)

Gene: FBN1 (fibrillin 1; minus strand). Cytogenetic location: 15q21.1.
Variant type: single nucleotide variant.
Coding change: c.658C>T on transcript NM_000138.5 (MANE Select); coding-DNA position 658, C replaced by T.
Protein change: p.Pro220Ser; replaces proline 220 with serine.
Molecular consequence: missense variant.
Genome position (GRCh38, 1-based): chr15:48,537,689, G>A on the plus strand (C>T on the coding strand, the complement: FBN1 is on the minus strand). VCF-style: chr15-48537689-G-A. GRCh37 (hg19) VCF-style: chr15-48829886-G-A.
Other names: c.658C>T, p.Pro220Ser (NM_001406716.1, NM_001406717.1); short protein forms P220S.
Identifiers: ClinVar variation 2940605 (VCV002940605.4), dbSNP rs771509487, ClinGen allele CA392445947.